The following is an entry in ClinVar:

ClinVar aggregate classification (germline): Uncertain significance (1 of 4 stars; one submission).

Conditions:
TRPC5-related disorder. Also called: TRPC5-related condition.

gnomAD v4.1: 1 of 1,211,111 alleles (0.000083%); highest among the groups gnomAD compares: Non-Finnish European, 0.00011%; no homozygotes.

Submission:

PreventionGenetics, part of Exact Sciences
Classification: Uncertain significance for TRPC5-related condition. Last evaluated: 2025-10-22. Review status: criteria provided, single submitter. Criteria: ACMG Guidelines, 2015. Collection method: clinical testing. Allele origin: germline.
Comment: The TRPC5 c.500C>T variant is predicted to result in the amino acid substitution p.Thr167Ile. To our knowledge, this variant has not been reported in the literature. This variant is reported in 0.0012% of alleles in individuals of European (Non-Finnish) descent in gnomAD. At this time, the clinical significance of this variant is uncertain due to the absence of conclusive functional and genetic evidence.

NM_012471.3(TRPC5):c.500C>T (p.Thr167Ile)

Gene: TRPC5 (transient receptor potential cation channel subfamily C member 5; minus strand). Cytogenetic location: Xq23.
Variant type: single nucleotide variant.
Coding change: c.500C>T on transcript NM_012471.3 (MANE Select); coding-DNA position 500, C replaced by T.
Protein change: p.Thr167Ile; replaces threonine 167 with isoleucine.
Molecular consequence: missense variant.
Genome position (GRCh38, 1-based): chrX:111,912,691, G>A on the plus strand (C>T on the coding strand, the complement: TRPC5 is on the minus strand). VCF-style: chrX-111912691-G-A. GRCh37 (hg19) VCF-style: chrX-111155919-G-A.
Other names: short protein forms T167I.
Identifiers: ClinVar variation 4999557 (VCV004999557.1).
Genomic context (GRCh38, chrX:111,912,691, plus strand): 5'-ACCTCTGAACTAGACACACACTCCACACAGTTGCAGCGGATCTGGTGGGGCCGTGGGATA[G>A]TGACCCGTTTTTGGACAAGCAATTTGATGATTTCGTAGTTGTTGGTGTGGGCAGCCAGCA-3'
Protein context (NP_036603.1, residues 157-177): IIKLLVQKRV[Thr167Ile]IPRPHQIRCN